The following is an entry in ClinVar:

NM_002661.5(PLCG2):c.3143A>G (p.Tyr1048Cys)

Gene: PLCG2 (phospholipase C gamma 2; plus strand). Cytogenetic location: 16q23.3.
Variant type: single nucleotide variant.
Coding change: c.3143A>G on transcript NM_002661.5 (MANE Select); coding-DNA position 3143, A replaced by G.
Protein change: p.Tyr1048Cys; replaces tyrosine 1048 with cysteine.
Molecular consequence: missense variant.
Genome position (GRCh38, 1-based): chr16:81,937,848, A>G. VCF-style: chr16-81937848-A-G. GRCh37 (hg19) VCF-style: chr16-81971453-A-G.
Other names: c.3143A>G, p.Tyr1048Cys (NM_001425749.1, NM_001425750.1, NM_001425751.1); short protein forms Y1048C.
Identifiers: ClinVar variation 4715766 (VCV004715766.1).

ClinVar aggregate classification (germline): Uncertain significance (1 of 4 stars; one submission).

Conditions:
Familial cold autoinflammatory syndrome 3 (FCAS3). Also called: FAMILIAL ATYPICAL COLD URTICARIA; ANTIBODY DEFICIENCY AND IMMUNE DYSREGULATION, PLCG2-ASSOCIATED. Identifiers: Orphanet 300359, MedGen C3280914, MONDO:0013766, OMIM 614468.

Submission:

Labcorp Genetics (formerly Invitae), Labcorp
Classification: Uncertain significance for Familial cold autoinflammatory syndrome 3. Last evaluated: 2025-03-23. Review status: criteria provided, single submitter. Criteria: Invitae Variant Classification Sherloc (09022015). Collection method: clinical testing. Allele origin: germline.
Comment: This sequence change replaces tyrosine, which is neutral and polar, with cysteine, which is neutral and slightly polar, at codon 1048 of the PLCG2 protein (p.Tyr1048Cys). This variant is not present in population databases (gnomAD no frequency). This variant has not been reported in the literature in individuals affected with PLCG2-related conditions. An algorithm developed to predict the effect of missense changes on protein structure and function (PolyPhen-2) suggests that this variant is likely to be disruptive. In summary, the available evidence is currently insufficient to determine the role of this variant in disease. Therefore, it has been classified as a Variant of Uncertain Significance.